The following is an entry in ClinVar:

NM_001100.4(ACTA1):c.1127G>C (p.Cys376Ser)

Gene: ACTA1 (actin alpha 1, skeletal muscle; minus strand). Cytogenetic location: 1q42.13.
Variant type: single nucleotide variant.
Coding change: c.1127G>C on transcript NM_001100.4 (MANE Select); coding-DNA position 1127, G replaced by C.
Protein change: p.Cys376Ser; replaces cysteine 376 with serine.
Molecular consequence: missense variant.
Genome position (GRCh38, 1-based): chr1:229,431,506, C>G on the plus strand (G>C on the coding strand, the complement: ACTA1 is on the minus strand). VCF-style: chr1-229431506-C-G. GRCh37 (hg19) VCF-style: chr1-229567253-C-G.
Other names: NM_001100.4:c.1127G>C; short protein forms C376S.
Identifiers: ClinVar variation 3390919 (VCV003390919.1).
Genomic context (GRCh38, chr1:229,431,506, plus strand): 5'-CCATTGAGAAGATTCGTCGTCCTGAGAAGTCGCGTGCTGGAGGTGGAGTGTGTCTAGAAG[C>G]ATTTGCGGTGGACGATGGAAGGGCCGGCCTCGTCGTACTCCTGCTTGGTGATCCACATCT-3'
Protein context (NP_001091.1, residues 366-377): EAGPSIVHRK[Cys376Ser]F

ClinVar aggregate classification (germline): Pathogenic (3 of 4 stars; one submission).

Conditions:
Alpha-actinopathy. Also called: Actinopathy. Identifiers: MedGen CN295279, MONDO:0100084.

Submission:

ClinGen Congenital Myopathies Variant Curation Expert Panel, ClinGen
Classification: Pathogenic for Alpha-actinopathy. Last evaluated: 2024-08-27. Review status: reviewed by expert panel. Criteria: ClinGen CongenMyopathy ACMG Specifications ACTA1_AD_ V2.0.0. Collection method: curation. Allele origin: germline. Inheritance: Autosomal dominant inheritance.
Comment: The variant NM_001100.4:c.1127G>C in ACTA1 is a missense variant predicted to cause substitution of cysteine by serine at amino acid 376 (p.Cys376Ser) in exon 7/7. The variant is absent from gnomAD v2.1.1 with adequate coverage (PM2_Supporting). The REVEL computational prediction analysis tool gives a score of 0.946, which is above the threshold necessary to apply PP3. In addition, ACTA1, in which the variant was identified, is defined by the ClinGen Congenital Myopathies VCEP as a gene that has a low rate of benign missense variation and where pathogenic missense variants are a common mechanism of disease (PP2). The Z-score in gnomAD v2.1.1 is 4.53 which is above the threshold necessary to apply PP2. This variant has been reported in two probands with congenital nemaline myopathy (PS4_Supporting, PP4_Moderate PMID:25890230,19562689), and as a de novo observation with confirmed parental relationships in one of the probands (PS2, PMID:25890230). In summary, the variant meets the criteria to be classified as Pathogenic for autosomal dominant alpha-actinopathy. ACMG/AMP criteria met, as specified by the ClinGen Congenital Myopathies VCEP: PS2, PP4_Moderate, PS4_Supporting, PP2, PP3, PM2_Supporting (ClinGen Congenital Myopathies VCEP specifications version 2; 08/27/2024).